The following is an entry in ClinVar:

NM_019118.5(TMEM234):c.150C>G (p.Thr50=)

Genes: TMEM234 (transmembrane protein 234; minus strand), LOC126805687 (BRD4-independent group 4 enhancer GRCh37_chr1:32687227-32688426; plus strand). Cytogenetic location: 1p35.2.
Variant type: single nucleotide variant.
Coding change: c.150C>G on transcript NM_019118.5 (MANE Select); coding-DNA position 150, C replaced by G.
Protein change: p.Thr50=; no amino-acid change (threonine 50 retained).
Molecular consequence: synonymous variant. On other transcripts: non-coding transcript variant (3).
Genome position (GRCh38, 1-based): chr1:32,221,885, G>C on the plus strand (C>G on the coding strand, the complement: TMEM234 is on the minus strand). VCF-style: chr1-32221885-G-C. GRCh37 (hg19) VCF-style: chr1-32687486-G-C.
Other names: c.150C>G, p.Thr50= (NM_001366191.2).
Identifiers: ClinVar variation 2638608 (VCV002638608.22), dbSNP rs199528110, ClinGen allele CA740381.

ClinVar aggregate classification (germline): Likely benign (1 of 4 stars; one submission).

Allele frequency attached by ClinVar (database versions not stated): ESP Exome Variant Server 0.00015; gnomAD 0.00024; ExAC 0.00025; TOPMed 0.00025.
gnomAD v4.1: 468 of 1,612,848 alleles (0.029%); highest among the groups gnomAD compares: Non-Finnish European, 0.038%; no homozygotes.

Submission:

CeGaT Center for Human Genetics Tuebingen
Classification: Likely benign. Last evaluated: 2022-05-01. Review status: criteria provided, single submitter. Criteria: CeGaT Center For Human Genetics Tuebingen Variant Classification Criteria Version 2. Collection method: clinical testing. Allele origin: germline. Affected: yes. Observed: 1 variant allele.
Comment: TMEM234: BP4, BP7